The following is an entry in ClinVar:

NM_000260.4(MYO7A):c.6165C>T (p.Ser2055=)

Gene: MYO7A (myosin VIIA; plus strand). Cytogenetic location: 11q13.5.
Variant type: single nucleotide variant.
Coding change: c.6165C>T on transcript NM_000260.4 (MANE Select); coding-DNA position 6165, C replaced by T.
Protein change: p.Ser2055=; no amino-acid change (serine 2055 retained).
Molecular consequence: synonymous variant.
Genome position (GRCh38, 1-based): chr11:77,211,265, C>T. VCF-style: chr11-77211265-C-T. GRCh37 (hg19) VCF-style: chr11-76922310-C-T.
Other names: c.6051C>T, p.Ser2017= (NM_001127180.2); c.6018C>T, p.Ser2006= (NM_001369365.1).
Identifiers: ClinVar variation 43319 (VCV000043319.49), dbSNP rs397516327, ClinGen allele CA132420.
Genomic context (GRCh38, chr11:77,211,265, plus strand): 5'-GCAGCTGGGGGCGCTGATCTACAGGGTCAAGTTCGAGGAGGACAAGTCCTACTTCCCCAG[C>T]ATCCCCAAGCTGCTGCGGGAGCTGGTGCCCCAGGACCTTATCCGGCAGGTCTCACCTGAT-3'
Protein context (NP_000251.3, residues 2045-2065): KFEEDKSYFP[Ser2055=]IPKLLRELVP

ClinVar aggregate classification (germline): Conflicting classifications of pathogenicity. Review status: criteria provided, conflicting classifications (1 of 4 stars). 7 submissions from 7 submitters: Uncertain significance (1); Likely benign (5). 1 of the submissions does not count toward it. Last evaluated 2026-01-21.

Conditions:
Usher syndrome type 1B (USH1B). Also called: Usher syndrome type IB. Identifiers: MedGen C1848638, MONDO:0700087.

Allele frequency attached by ClinVar (database versions not stated): gnomAD 0.00029; gnomAD exomes 0.00031; TOPMed 0.00032; ExAC 0.00033.
gnomAD v4.1: 647 of 1,580,762 alleles (0.041%); highest among the groups gnomAD compares: Admixed American, 0.082%; no homozygotes.

Submissions (7):

Labcorp Genetics (formerly Invitae), Labcorp
Classification: Likely benign. Last evaluated: 2026-01-21. Review status: criteria provided, single submitter. Criteria: Invitae Variant Classification Sherloc (09022015). Collection method: clinical testing. Allele origin: germline.

Blueprint Genetics
Classification: Likely benign. Last evaluated: 2024-09-13. Review status: criteria provided, single submitter. Criteria: ACMG Guidelines, 2015. Collection method: clinical testing. Allele origin: germline.

CeGaT Center for Human Genetics Tuebingen
Classification: Likely benign. Last evaluated: 2022-12-01. Review status: criteria provided, single submitter. Criteria: CeGaT Center For Human Genetics Tuebingen Variant Classification Criteria Version 2. Collection method: clinical testing. Allele origin: germline. Affected: yes. Observed: 1 variant allele.
Comment: MYO7A: BP4, BP7

GeneDx
Classification: Likely benign. Last evaluated: 2020-08-03. Review status: criteria provided, single submitter. Criteria: GeneDx Variant Classification Process June 2021. Collection method: clinical testing. Allele origin: germline. Affected: yes.

Eurofins Ntd Llc (ga)
Classification: Uncertain significance. Last evaluated: 2016-09-14. Review status: criteria provided, single submitter. Criteria: EGL Classification Definitions 2015. Collection method: clinical testing. Allele origin: germline. Observed: 1 variant allele, 1 heterozygote.

Laboratory for Molecular Medicine, Mass General Brigham Personalized Medicine
Classification: Likely benign. Last evaluated: 2015-01-29. Review status: criteria provided, single submitter. Criteria: LMM Criteria. Collection method: clinical testing. Allele origin: germline. Observed: 5 variant alleles.
Comment: p.Ser2055Ser in exon 45 of MYO7A: This variant is not expected to have clinical significance because it does not alter an amino acid residue and is not located near a splice junction. It has been identified in 10/17320 European chromosomes by the Exome Aggregation Consortium (ExAC).

Natera, Inc.
Classification: Likely benign for Usher syndrome type 1B. Last evaluated: 2020-04-17. Review status: no assertion criteria provided. Collection method: clinical testing. Allele origin: germline. Not counted in ClinVar's aggregate classification.